The following is an entry in ClinVar:

NM_000492.4(CFTR):c.1882G>C (p.Gly628Arg)

Gene: CFTR (CF transmembrane conductance regulator; plus strand). Cytogenetic location: 7q31.2.
Variant type: single nucleotide variant.
Coding change: c.1882G>C on transcript NM_000492.4 (MANE Select); coding-DNA position 1882, G replaced by C.
Protein change: p.Gly628Arg; replaces glycine 628 with arginine.
Molecular consequence: missense variant.
Genome position (GRCh38, 1-based): chr7:117,592,049, G>C. VCF-style: chr7-117592049-G-C. GRCh37 (hg19) VCF-style: chr7-117232103-G-C.
Other names: short protein forms G628R.
Identifiers: ClinVar variation 53409 (VCV000053409.17), dbSNP rs397508316, ClinGen allele CA326707.

ClinVar aggregate classification (germline): Pathogenic. Review status: reviewed by expert panel (3 of 4 stars). 8 submissions from 8 submitters: Pathogenic (1). 7 of the submissions do not count toward it. Last evaluated 2019-03-11.

Conditions:
CFTR-related disorder (CFTR-RD). Also called: CFTR-related disorders; CFTR-related condition. Identifiers: MedGen C5924204, MONDO:7770004.
Bronchiectasis with or without elevated sweat chloride 1 (BESC1). Also called: Cystic Fibrosis-Like Syndrome. Identifiers: Orphanet 60033, MedGen C2749757, MONDO:0008887, OMIM 211400.
Hereditary pancreatitis (PCTT). Also called: PRSS1-Related Hereditary Pancreatitis; Hereditary chronic pancreatitis. Identifiers: Orphanet 676, MedGen C0238339, MONDO:0008185, OMIM 167800.
Cystic fibrosis (CF). Also called: MUCOVISCIDOSIS. Identifiers: Orphanet 586, MedGen C0010674, MONDO:0009061, OMIM 219700. Disease mechanism: loss of function.
Congenital bilateral aplasia of vas deferens from CFTR mutation (CBAVD). Identifiers: Orphanet 48, MedGen C0403814, MONDO:0010178, OMIM 277180. Disease mechanism: loss of function.

gnomAD v4.1: 3 of 1,605,262 alleles (0.00019%); highest among the groups gnomAD compares: Non-Finnish European, 0.00025%; no homozygotes.

Submissions (8):

CFTR2
Classification: Pathogenic for Cystic fibrosis. Last evaluated: 2019-03-11. Review status: reviewed by expert panel. Criteria: Sosnay PR et al. (Nat Genet 2013). Collection method: research. Allele origin: germline. Affected: yes.

Natera, Inc.
Classification: Pathogenic for CFTR-related disorders. Last evaluated: 2025-06-30. Review status: criteria provided, single submitter. Criteria: Natera Variant Classification Schema (03/2026). Collection method: clinical testing. Allele origin: germline. Not counted in ClinVar's aggregate classification.
Comment: The c.1882G>C variant in CFTR is a missense variant predicted to cause substitution of glycine to arginine at amino acid 628. This variant is rare in the general population with a frequency below the threshold expected for the associated phenotype(s). This variant has been observed in one or more individuals affected with the associated recessive disease, as either homozygous or compound heterozygous with a second variant (PMID: 35697137, 23687349, 32084388). Another variant at this same site results in an alteration predicted to cause a similar molecular effect has been observed in individual(s) with the associated phenotype. Computational prediction algorithms indicate this variant is likely to affect gene or protein function. Given the available evidence, this variant is classified as Pathogenic.

Fulgent Genetics
Classification: Likely pathogenic for Hereditary pancreatitis; Bronchiectasis with or without elevated sweat chloride 1; Cystic fibrosis; Congenital bilateral aplasia of vas deferens from CFTR mutation. Last evaluated: 2024-04-03. Review status: criteria provided, single submitter. Criteria: ACMG Guidelines, 2015. Collection method: clinical testing. Allele origin: germline. Not counted in ClinVar's aggregate classification.

Women's Health and Genetics/Laboratory Corporation of America, LabCorp
Classification: Pathogenic for Cystic fibrosis. Last evaluated: 2024-04-03. Review status: criteria provided, single submitter. Criteria: LabCorp Variant Classification Summary - May 2015. Collection method: clinical testing. Allele origin: germline. Not counted in ClinVar's aggregate classification.
Comment: Variant summary: CFTR c.1882G>C (p.Gly628Arg) results in a non-conservative amino acid change located in the ABC transporter-like, ATP-binding domain (IPR003439) of the encoded protein sequence. Five of five in-silico tools predict a damaging effect of the variant on protein function. The variant was absent in 244320 control chromosomes. c.1882G>C has been reported in the literature in multiple compound heterozygous individuals affected with Cystic Fibrosis or CBAVD (e.g. Geurts_2020, Claustres_2000). These data indicate that the variant is very likely to be associated with disease. At least one publication reports experimental evidence evaluating an impact on protein function, showing largely reduced current density in CFTR channels (e.g. Billet_2010). The following publications have been ascertained in the context of this evaluation (PMID: 20435887, 10923036, 32084388). ClinVar contains an entry for this variant (Variation ID: 53409). Based on the evidence outlined above, the variant was classified as pathogenic.

Labcorp Genetics (formerly Invitae), Labcorp
Classification: Pathogenic for Cystic fibrosis. Last evaluated: 2023-05-01. Review status: criteria provided, single submitter. Criteria: Invitae Variant Classification Sherloc (09022015). Collection method: clinical testing. Allele origin: germline. Not counted in ClinVar's aggregate classification.
Comment: This sequence change replaces glycine, which is neutral and non-polar, with arginine, which is basic and polar, at codon 628 of the CFTR protein (p.Gly628Arg). This variant is not present in population databases (gnomAD no frequency). This missense change has been observed in individuals with CFTR-related conditions (PMID: 10923036, 27022295). ClinVar contains an entry for this variant (Variation ID: 53409). Advanced modeling of protein sequence and biophysical properties (such as structural, functional, and spatial information, amino acid conservation, physicochemical variation, residue mobility, and thermodynamic stability) performed at Invitae indicates that this missense variant is expected to disrupt CFTR protein function. Experimental studies have shown that this missense change affects CFTR function (PMID: 20435887). For these reasons, this variant has been classified as Pathogenic.

Ambry Genetics
Classification: Likely pathogenic for Cystic fibrosis. Last evaluated: 2023-02-10. Review status: criteria provided, single submitter. Criteria: Ambry Variant Classification Scheme 2023. Collection method: clinical testing. Allele origin: germline. Not counted in ClinVar's aggregate classification.
Comment: The p.G628R variant (also known as c.1882G>C), located in coding exon 14 of the CFTR gene, results from a G to C substitution at nucleotide position 1882. The glycine at codon 628 is replaced by arginine, an amino acid with dissimilar properties. This alteration has been identified in an individual with a clinical diagnosis of cystic fibrosis (Cuppens H et al. Genomics, 1993 Dec;18:693-7). This variant has been reported in multiple individuals with an elevated sweat chloride level in The Clinical and Functional TRanslation of CFTR (CFTR2) database (available at CFTR2. Accessed 02/10/2023). This variant has 0.8% of wild type function in The Clinical and Functional TRanslation of CFTR (CFTR2) database (available at CFTR2. Accessed 02/10/2023).This amino acid position is highly conserved in available vertebrate species. In addition, this alteration is predicted to be deleterious by in silico analysis. This variant is considered to be rare based on population cohorts in the Genome Aggregation Database (gnomAD). Based on the majority of available evidence to date, this variant is likely to be pathogenic.

Eurofins Ntd Llc (ga)
Classification: Likely pathogenic. Last evaluated: 2017-12-22. Review status: criteria provided, single submitter. Criteria: EGL Classification Definitions 2015. Collection method: clinical testing. Allele origin: germline. Observed: 1 variant allele, 1 heterozygote. Not counted in ClinVar's aggregate classification.

ClinVar Staff, National Center for Biotechnology Information (NCBI)
No classification provided. Condition: CFTR-related disorders. Review status: no classification provided. Collection method: literature only. Allele origin: germline. Affected: yes. Not counted in ClinVar's aggregate classification.

Literature cited by the submitters: PubMed 35697137 (cited by Natera, Inc.); PubMed 23687349 (cited by Natera, Inc.); PubMed 32084388 (cited by Natera, Inc. and Women's Health and Genetics/Laboratory Corporation of America, LabCorp); PubMed 10923036 (cited by Women's Health and Genetics/Laboratory Corporation of America, LabCorp and Labcorp Genetics (formerly Invitae), Labcorp); PubMed 20435887 (cited by Women's Health and Genetics/Laboratory Corporation of America, LabCorp and Labcorp Genetics (formerly Invitae), Labcorp); PubMed 27022295 (cited by Labcorp Genetics (formerly Invitae), Labcorp); PubMed 7508414 (cited by Ambry Genetics and ClinVar Staff, National Center for Biotechnology Information (NCBI)); PubMed 9736778 (cited by ClinVar Staff, National Center for Biotechnology Information (NCBI)).